The following is an entry in ClinVar:

ClinVar aggregate classification (germline): Pathogenic (1 of 4 stars; one submission).

Conditions:
Neuronal ceroid lipofuscinosis 7 (CLN7). Also called: MFSD8-Related Neuronal Ceroid-Lipofuscinosis. Identifiers: Orphanet 168491, Orphanet 228366, MedGen C1838571, MONDO:0012588, OMIM 610951.

Submission:

Labcorp Genetics (formerly Invitae), Labcorp
Classification: Pathogenic for Neuronal ceroid lipofuscinosis 7. Last evaluated: 2021-03-01. Review status: criteria provided, single submitter. Criteria: Invitae Variant Classification Sherloc (09022015). Collection method: clinical testing. Allele origin: germline.
Comment: This sequence change creates a premature translational stop signal (p.Ile231Hisfs*9) in the MFSD8 gene. It is expected to result in an absent or disrupted protein product. Loss-of-function variants in MFSD8 are known to be pathogenic (PMID: 19177532, 25227500, 28586915). This variant is not present in population databases (ExAC no frequency). This variant has not been reported in the literature in individuals with MFSD8-related conditions. For these reasons, this variant has been classified as Pathogenic.

Literature cited by the submitters: PubMed 19177532; PubMed 25227500; PubMed 28586915.

NM_001371596.2(MFSD8):c.690dup (p.Ile231fs)

Gene: MFSD8 (major facilitator superfamily domain containing 8; minus strand). Cytogenetic location: 4q28.2.
Variant type: Duplication.
Coding change: c.690dup on transcript NM_001371596.2 (MANE Select); coding-DNA position 690, one base duplicated (C; older notation c.690dupC).
Protein change: p.Ile231fs; shifts the reading frame from isoleucine 231.
Molecular consequence: frameshift variant. On other transcripts: intron variant (5).
Genome position (GRCh38, 1-based): chr4:127,939,861, G duplicated on the plus strand (C on the coding strand, the reverse complement: MFSD8 is on the minus strand); the first of 2 consecutive G bases (chr4:127,939,861-127,939,862); duplicating either gives the same sequence. VCF-style (leftmost placement, unchanged base first): chr4-127939860-T-TG. GRCh37 (hg19) VCF-style: chr4-128861015-T-TG.
Other names: c.555dup, p.Ile186fs (NM_001371590.2); c.690dup, p.Ile231fs (NM_001371591.2, NM_152778.4); c.696dup, p.Ile233fs (NM_001371592.2); c.576dup, p.Ile193fs (NM_001371593.2, NM_001410766.1); c.419-1025dup (NM_001371595.1); c.304+3891dup (NM_001410765.1); c.439+3891dup (NM_001363521.3); c.553+2184dup (NM_001363520.3); and 1 more; short protein forms I193fs, I186fs, I231fs, I233fs.
Identifiers: ClinVar variation 1394953 (VCV001394953.8), dbSNP rs2148907184, ClinGen allele CA2573138050.
Genomic context (GRCh38, chr4:127,939,860, plus strand): 5'-CTCATTAAATTTCACAATCTACAAAAATAGTTTTATCATTTCTATCTAATTACCTTAGTA[T>TG]GGCAAGGATCAGAATAATATTTAAAATTCCCAGGAAGGCGCTAAGTAAAACTGGTGTTGT-3'